The following is an entry in ClinVar:

NM_001394966.1(NEK10):c.1538T>C (p.Leu513Ser)

Gene: NEK10 (NIMA related kinase 10; minus strand). Cytogenetic location: 3p24.1.
Variant type: single nucleotide variant.
Coding change: c.1538T>C on transcript NM_001394966.1 (MANE Select); coding-DNA position 1538, T replaced by C.
Protein change: p.Leu513Ser; replaces leucine 513 with serine.
Molecular consequence: missense variant.
Genome position (GRCh38, 1-based): chr3:27,291,329, A>G on the plus strand (T>C on the coding strand, the complement: NEK10 is on the minus strand). VCF-style: chr3-27291329-A-G. GRCh37 (hg19) VCF-style: chr3-27332820-A-G.
Other names: c.1538T>C, p.Leu513Ser (NM_001394963.1, NM_001394965.1, NM_001394970.1 and 3 more transcripts); c.1451T>C, p.Leu484Ser (NM_001394964.1, NM_001394967.1, NM_001394969.1); c.1559T>C, p.Leu520Ser (NM_001394968.1); short protein forms L484S, L513S, L520S.
Identifiers: ClinVar variation 1325897 (VCV001325897.5), dbSNP rs10510592, ClinGen allele CA2290852.

ClinVar aggregate classification (germline): Benign. Review status: criteria provided, multiple submitters, no conflicts (2 of 4 stars). 3 submissions from 3 submitters: Benign (3). Last evaluated 2022-02-03.

Conditions:
Ciliary dyskinesia, primary, 44. Also called: CILIARY DYSKINESIA, PRIMARY, 44, WITHOUT SITUS INVERSUS. Identifiers: MedGen C5394063, MONDO:0032914, OMIM 618781.

Allele frequency attached by ClinVar (database versions not stated): 1000 Genomes Project 30x 0.20956; 1000 Genomes Project 0.21146; gnomAD 0.23482 and 0.23580; TOPMed 0.23718; ESP Exome Variant Server 0.23883; gnomAD exomes 0.25168 and 0.26831; ExAC 0.26529.
gnomAD v4.1: 403,632 of 1,612,430 alleles (25%); highest among the groups gnomAD compares: Middle Eastern, 39%; 53,151 homozygotes.

Submissions (3):

GeneDx
Classification: Benign. Last evaluated: 2022-02-03. Review status: criteria provided, single submitter. Criteria: GeneDx Variant Classification Process June 2021. Collection method: clinical testing. Allele origin: germline. Affected: yes.
Comment: This variant is associated with the following publications: (PMID: 24943594)

Genome-Nilou Lab
Classification: Benign for Ciliary dyskinesia, primary, 44. Last evaluated: 2021-09-05. Review status: criteria provided, single submitter. Criteria: ACMG Guidelines, 2015. Collection method: clinical testing. Allele origin: germline. Affected: no.

Breakthrough Genomics
Classification: Benign. Review status: criteria provided, single submitter. Criteria: ACMG Guidelines, 2015. Collection method: not provided. Allele origin: germline. Inheritance: Autosomal recessive inheritance. Affected: yes.